The following is an entry in ClinVar:

NM_001080421.3(UNC13A):c.4377C>T (p.Cys1459=)

Gene: UNC13A (unc-13 homolog A; minus strand). Cytogenetic location: 19p13.11.
Variant type: single nucleotide variant.
Coding change: c.4377C>T on transcript NM_001080421.3 (MANE Select); coding-DNA position 4377, C replaced by T.
Protein change: p.Cys1459=; no amino-acid change (cysteine 1459 retained).
Molecular consequence: synonymous variant.
Genome position (GRCh38, 1-based): chr19:17,618,454, G>A on the plus strand (C>T on the coding strand, the complement: UNC13A is on the minus strand). VCF-style: chr19-17618454-G-A. GRCh37 (hg19) VCF-style: chr19-17729263-G-A.
Other names: c.4365C>T, p.Cys1455= (NM_001387021.1); c.4362C>T, p.Cys1454= (NM_001387022.1); c.4296C>T, p.Cys1432= (NM_001387023.1).
Identifiers: ClinVar variation 5041039 (VCV005041039.1).

ClinVar aggregate classification (germline): Likely benign (1 of 4 stars; one submission).

gnomAD v4.1: 95 of 1,591,898 alleles (0.006%); highest among the groups gnomAD compares: South Asian, 0.017%; no homozygotes.

Submission:

CeGaT Center for Human Genetics Tuebingen
Classification: Likely benign. Last evaluated: 2026-09-01. Review status: criteria provided, single submitter. Criteria: CeGaT Center For Human Genetics Tuebingen Variant Classification Criteria Version 2. Collection method: clinical testing. Allele origin: germline. Affected: yes. Observed: 1 variant allele.
Comment: UNC13A: BP4, BP7